The following is an entry in ClinVar:

ClinVar aggregate classification (germline): Likely pathogenic (1 of 4 stars; one submission).

gnomAD v4.1: 1 of 1,612,660 alleles (0.000062%); highest among the groups gnomAD compares: Non-Finnish European, 0.000085%; no homozygotes.

Submission:

CeGaT Center for Human Genetics Tuebingen
Classification: Likely pathogenic. Last evaluated: 2024-07-01. Review status: criteria provided, single submitter. Criteria: CeGaT Center For Human Genetics Tuebingen Variant Classification Criteria Version 2. Collection method: clinical testing. Allele origin: germline. Affected: yes. Observed: 1 variant allele.
Comment: TTN: PVS1:Strong, PM2

NM_001267550.2(TTN):c.95416+1G>C

Genes: TTN (titin; minus strand), TTN-AS1 (TTN antisense RNA 1; plus strand). Cytogenetic location: 2q31.2.
Variant type: single nucleotide variant.
Coding change: c.95416+1G>C on transcript NM_001267550.2 (MANE Select); the canonical splice donor site of the intron after coding-DNA position 95416, G replaced by C.
Molecular consequence: splice donor variant.
Genome position (GRCh38, 1-based): chr2:178,545,819, C>G on the plus strand (G>C on the coding strand, the complement: TTN is on the minus strand). VCF-style: chr2-178545819-C-G. GRCh37 (hg19) VCF-style: chr2-179410546-C-G.
Other names: c.68221+1G>C (NM_003319.4); c.68797+1G>C (NM_133437.4); c.68596+1G>C (NM_133432.3); c.87712+1G>C (NM_133378.4); c.90493+1G>C (NM_001256850.1).
Identifiers: ClinVar variation 3257323 (VCV003257323.17).